The following is an entry in ClinVar:

NC_000003.11:g.(4562779_4669446)_(4687413_4693806)del

Gene: ITPR1 (inositol 1,4,5-trisphosphate receptor type 1; plus strand). Cytogenetic location: 3p26.1.
Variant type: Deletion.
Identifiers: ClinVar variation 4853440 (VCV004853440.1).

ClinVar aggregate classification (germline): Pathogenic (1 of 4 stars; one submission).

Conditions:
Autosomal Recessive Gillespie Syndrome.

Submission:

Women's Health and Genetics/Laboratory Corporation of America, LabCorp
Classification: Pathogenic for Autosomal Recessive Gillespie Syndrome. Last evaluated: 2026-05-08. Review status: criteria provided, single submitter. Criteria: LabCorp Variant Classification Summary - May 2015. Collection method: clinical testing. Allele origin: germline.
Comment: Variant summary: The variant involves the deletion of exons 5-10 in the ITPR1 gene. A presumed nomenclature of c.(163+1_164-1)_(855+1_856-1)del has been designated for the purposes of this classification. This Copy Number Variant (CNV) is expected to alter the reading frame and predicted to result in a truncation or absence of the encoded protein due to nonsense mediated decay (NMD). Loss-of-function variants in this gene are known to be pathogenic. The variant was absent in 21694 control chromosomes. To our knowledge, no occurrence of c.(163+1_164-1)_(855+1_856-1)del in individuals affected with ITPR1-related conditions and no experimental evidence demonstrating its impact on protein function have been reported. No submitters have cited clinical-significance assessments for this variant to ClinVar. To our knowledge, this variant has not been reported in individuals with autosomal dominant ITPR1-related conditions. Based on the evidence outlined above, the variant was classified as pathogenic for autosomal recessive Gillespie Syndrome.